The following is an entry in ClinVar:

ClinVar aggregate classification (germline): Uncertain significance. Review status: criteria provided, multiple submitters, no conflicts (2 of 4 stars). 2 submissions from 2 submitters: Uncertain significance (2). Last evaluated 2025-08-31.

Conditions:
Hereditary spastic paraplegia 57. Also called: Spastic paraplegia 57, autosomal recessive. Identifiers: Orphanet 431329, MedGen C3714897, MONDO:0014295, OMIM 615658.
Hereditary motor and sensory neuropathy, Okinawa type (HMSNO). Also called: HEREDITARY MOTOR AND SENSORY NEUROPATHY, PROXIMAL TYPE. Identifiers: Orphanet 90117, MedGen C1858338, MONDO:0011468, OMIM 604484.
Inborn genetic diseases. Identifiers: MedGen C0950123, MeSH D030342.

Allele frequency attached by ClinVar (database versions not stated): gnomAD 0.00001; ExAC 0.00002; ESP Exome Variant Server 0.00008.
gnomAD v4.1: 12 of 1,611,308 alleles (0.00074%); highest among the groups gnomAD compares: African/African-American, 0.004%; no homozygotes.

Submissions (2):

Ambry Genetics
Classification: Uncertain significance for Inborn genetic diseases. Last evaluated: 2025-08-31. Review status: criteria provided, single submitter. Criteria: Ambry Variant Classification Scheme 2023. Collection method: clinical testing. Allele origin: germline.

Labcorp Genetics (formerly Invitae), Labcorp
Classification: Uncertain significance for Hereditary motor and sensory neuropathy, Okinawa type; Hereditary spastic paraplegia 57. Last evaluated: 2025-01-28. Review status: criteria provided, single submitter. Criteria: Invitae Variant Classification Sherloc (09022015). Collection method: clinical testing. Allele origin: germline.
Comment: This sequence change replaces isoleucine, which is neutral and non-polar, with valine, which is neutral and non-polar, at codon 21 of the TFG protein (p.Ile21Val). This variant is present in population databases (rs377136610, gnomAD 0.02%). This variant has not been reported in the literature in individuals affected with TFG-related conditions. ClinVar contains an entry for this variant (Variation ID: 2049955). Invitae Evidence Modeling of protein sequence and biophysical properties (such as structural, functional, and spatial information, amino acid conservation, physicochemical variation, residue mobility, and thermodynamic stability) indicates that this missense variant is not expected to disrupt TFG protein function with a negative predictive value of 80%. In summary, the available evidence is currently insufficient to determine the role of this variant in disease. Therefore, it has been classified as a Variant of Uncertain Significance.

NM_006070.6(TFG):c.61A>G (p.Ile21Val)

Gene: TFG (trafficking from ER to golgi regulator; plus strand). Cytogenetic location: 3q12.2.
Variant type: single nucleotide variant.
Coding change: c.61A>G on transcript NM_006070.6 (MANE Select); coding-DNA position 61, A replaced by G.
Protein change: p.Ile21Val; replaces isoleucine 21 with valine.
Molecular consequence: missense variant.
Genome position (GRCh38, 1-based): chr3:100,713,746, A>G. VCF-style: chr3-100713746-A-G. GRCh37 (hg19) VCF-style: chr3-100432590-A-G.
Other names: c.61A>G, p.Ile21Val (NM_001007565.2, NM_001195478.2, NM_001195479.2); c.61A>G (NM_006070.5); short protein forms I21V.
Identifiers: ClinVar variation 2049955 (VCV002049955.5), dbSNP rs377136610, ClinGen allele CA2516958.